The following is an entry in ClinVar:

NC_000011.9:g.(?_22261105)_(22277078_?)del

Gene: ANO5 (anoctamin 5; plus strand). Cytogenetic location: 11p14.3.
Variant type: Deletion.
Identifiers: ClinVar variation 1017846 (VCV001017846.8).

ClinVar aggregate classification (germline): Uncertain significance (1 of 4 stars; one submission).

Conditions:
Autosomal recessive limb-girdle muscular dystrophy type 2L (LGMDR12). Also called: MUSCULAR DYSTROPHY, LIMB-GIRDLE, AUTOSOMAL RECESSIVE 12; Limb-Girdle Muscular Dystrophy R12 Anoctamin-5-Related (LGMD-R12); Limb-girdle muscular dystrophy, type 2L. Identifiers: Orphanet 206549, MedGen C1969785, MONDO:0012652, OMIM 611307.
Gnathodiaphyseal dysplasia (GDD). Also called: GNATHODIAPHYSEAL SCLEROSIS; OSTEOGENESIS IMPERFECTA WITH UNUSUAL SKELETAL LESIONS. Identifiers: Orphanet 53697, MedGen C1833736, MONDO:0008151, OMIM 166260.

Submission:

Labcorp Genetics (formerly Invitae), Labcorp
Classification: Uncertain significance for Autosomal recessive limb-girdle muscular dystrophy type 2L; Gnathodiaphyseal dysplasia. Last evaluated: 2022-07-05. Review status: criteria provided, single submitter. Criteria: Invitae Variant Classification Sherloc (09022015). Collection method: clinical testing. Allele origin: germline.
Comment: In summary, the available evidence is currently insufficient to determine the role of this variant in disease. Therefore, it has been classified as a Variant of Uncertain Significance. Experimental studies and prediction algorithms are not available or were not evaluated, and the functional significance of this variant is currently unknown. This variant has not been reported in the literature in individuals affected with ANO5-related conditions. This variant is a gross deletion of the genomic region encompassing exon(s) 9-13 of the ANO5 gene. This variant would be expected to be in-frame, preserving the integrity of the reading frame.